The following is an entry in ClinVar:

ClinVar aggregate classification (germline): Uncertain significance (1 of 4 stars; one submission).

Conditions:
Hereditary cancer-predisposing syndrome. Also called: Hereditary neoplastic syndrome; Neoplastic Syndromes, Hereditary; Tumor predisposition; Hereditary Cancer Syndrome. Identifiers: Orphanet 140162, MedGen C0027672, MeSH D009386, MONDO:0015356.

Submission:

Ambry Genetics
Classification: Uncertain significance for Hereditary cancer-predisposing syndrome. Last evaluated: 2020-10-15. Review status: criteria provided, single submitter. Criteria: Ambry Variant Classification Scheme 2023. Collection method: clinical testing. Allele origin: germline.
Comment: The p.C2704F variant (also known as c.8111G>T), located in coding exon 54 of the ATM gene, results from a G to T substitution at nucleotide position 8111. The cysteine at codon 2704 is replaced by phenylalanine, an amino acid with highly dissimilar properties. This amino acid position is highly conserved in available vertebrate species. In addition, this alteration is predicted to be deleterious by in silico analysis. Since supporting evidence is limited at this time, the clinical significance of this alteration remains unclear.

NM_000051.4(ATM):c.8111G>T (p.Cys2704Phe)

Genes: ATM (ATM serine/threonine kinase; plus strand), C11orf65 (chromosome 11 open reading frame 65; minus strand). Cytogenetic location: 11q22.3.
Variant type: single nucleotide variant.
Coding change: c.8111G>T on transcript NM_000051.4 (MANE Select); coding-DNA position 8111, G replaced by T.
Protein change: p.Cys2704Phe; replaces cysteine 2704 with phenylalanine.
Molecular consequence: missense variant. On other transcripts: intron variant (2).
Genome position (GRCh38, 1-based): chr11:108,335,069, G>T. VCF-style: chr11-108335069-G-T. GRCh37 (hg19) VCF-style: chr11-108205796-G-T.
Other names: c.8111G>T, p.Cys2704Phe (NM_001351834.2); c.641-25998C>A (NM_001330368.2); c.*38+151C>A (NM_001351110.2); short protein forms C2704F.
Identifiers: ClinVar variation 1762052 (VCV001762052.2), dbSNP rs1555127249, ClinGen allele CA382562139.